The following is an entry in ClinVar:

ClinVar aggregate classification (germline): Uncertain significance (1 of 4 stars; one submission).

Submission:

Labcorp Genetics (formerly Invitae), Labcorp
Classification: Uncertain significance. Last evaluated: 2021-05-10. Review status: criteria provided, single submitter. Criteria: Invitae Variant Classification Sherloc (09022015). Collection method: clinical testing. Allele origin: germline.
Comment: In summary, the available evidence is currently insufficient to determine the role of this variant in disease. Therefore, it has been classified as a Variant of Uncertain Significance. Algorithms developed to predict the effect of missense changes on protein structure and function are either unavailable or do not agree on the potential impact of this missense change (SIFT: "Not Available"; PolyPhen-2: "Possibly Damaging"; Align-GVGD: "Not Available"). This variant has not been reported in the literature in individuals with CEP250-related conditions. This variant is not present in population databases (ExAC no frequency). This sequence change replaces glutamic acid with glycine at codon 262 of the CEP250 protein (p.Glu262Gly). The glutamic acid residue is moderately conserved and there is a moderately physicochemical difference between glutamic acid and glycine.

NM_007186.6(CEP250):c.785A>G (p.Glu262Gly)

Gene: CEP250 (centrosomal protein 250; plus strand). Cytogenetic location: 20q11.22.
Variant type: single nucleotide variant.
Coding change: c.785A>G on transcript NM_007186.6 (MANE Select); coding-DNA position 785, A replaced by G.
Protein change: p.Glu262Gly; replaces glutamic acid 262 with glycine.
Molecular consequence: missense variant. On other transcripts: 5 prime UTR variant (1).
Genome position (GRCh38, 1-based): chr20:35,467,489, A>G. VCF-style: chr20-35467489-A-G. GRCh37 (hg19) VCF-style: chr20-34055314-A-G.
Other names: c.-1115A>G (NM_001318219.1); short protein forms E262G.
Identifiers: ClinVar variation 1473221 (VCV001473221.6), dbSNP rs2146723861, ClinGen allele CA408756039.